The following is an entry in ClinVar:

NM_004415.4(DSP):c.2196C>G (p.Asn732Lys)

Gene: DSP (desmoplakin; plus strand). Cytogenetic location: 6p24.3.
Variant type: single nucleotide variant.
Coding change: c.2196C>G on transcript NM_004415.4 (MANE Select); coding-DNA position 2196, C replaced by G.
Protein change: p.Asn732Lys; replaces asparagine 732 with lysine.
Molecular consequence: missense variant.
Genome position (GRCh38, 1-based): chr6:7,574,151, C>G. VCF-style: chr6-7574151-C-G. GRCh37 (hg19) VCF-style: chr6-7574384-C-G.
Other names: c.2196C>G, p.Asn732Lys (NM_001008844.3, NM_001319034.2); short protein forms N732K.
Identifiers: ClinVar variation 926404 (VCV000926404.11), dbSNP rs1424884336, ClinGen allele CA362680777.

ClinVar aggregate classification (germline): Uncertain significance. Review status: criteria provided, multiple submitters, no conflicts (2 of 4 stars). 2 submissions from 2 submitters: Uncertain significance (2). Last evaluated 2023-12-04.

Conditions:
Arrhythmogenic right ventricular dysplasia 8 (ARVD8). Also called: Arrhythmogenic Right Ventricular Dysplasia/Cardiomyopathy 8; ARRHYTHMOGENIC RIGHT VENTRICULAR DYSPLASIA, FAMILIAL, 8; ARRHYTHMOGENIC RIGHT VENTRICULAR CARDIOMYOPATHY 8. Identifiers: MedGen C1843896, MONDO:0011831, OMIM 607450.
Arrhythmogenic cardiomyopathy with wooly hair and keratoderma. Also called: PALMOPLANTAR KERATODERMA WITH LEFT VENTRICULAR CARDIOMYOPATHY AND WOOLLY HAIR; Carvajal syndrome; Dilated cardiomyopathy with woolly hair and keratoderma; Arrhythmogenic cardiomyopathy with woolly hair and keratoderma. Identifiers: Orphanet 65282, MedGen C1854063, MONDO:0011581, OMIM 605676.
Cardiomyopathy (CMYO). Also called: Cardiomyopathies. Identifiers: Orphanet 167848, MedGen C0878544, MONDO:0004994, HP:0001638. Inheritance: Various modes of inheritance.

Submissions (2):

Color Diagnostics, LLC DBA Color Health
Classification: Uncertain significance for Cardiomyopathy. Last evaluated: 2023-12-04. Review status: criteria provided, single submitter. Criteria: ACMG Guidelines, 2015. Collection method: clinical testing. Allele origin: germline.
Comment: Variant of Uncertain Significance due to insufficient evidence: This missense variant is located in the spectrin repeat 7 of the plakin domain of the DSP protein. Computational prediction tools and conservation analyses are inconclusive regarding the impact of this variant on the protein function. Computational splicing tools suggest that this variant may not impact RNA splicing. To our knowledge, functional assays have not been performed for this variant nor has this variant been reported in individuals affected with cardiovascular disorders in the literature. This variant is rare in the general population and has been identified in 0/277264 chromosomes by the Genome Aggregation Database (gnomAD). Available evidence is insufficient to determine the pathogenicity of this variant conclusively.

Labcorp Genetics (formerly Invitae), Labcorp
Classification: Uncertain significance for Arrhythmogenic cardiomyopathy with wooly hair and keratoderma; Arrhythmogenic right ventricular dysplasia 8. Last evaluated: 2022-07-19. Review status: criteria provided, single submitter. Criteria: Invitae Variant Classification Sherloc (09022015). Collection method: clinical testing. Allele origin: germline.
Comment: Algorithms developed to predict the effect of missense changes on protein structure and function are either unavailable or do not agree on the potential impact of this missense change (SIFT: "Deleterious"; PolyPhen-2: "Probably Damaging"; Align-GVGD: "Class C15"). In summary, the available evidence is currently insufficient to determine the role of this variant in disease. Therefore, it has been classified as a Variant of Uncertain Significance. ClinVar contains an entry for this variant (Variation ID: 926404). This variant has not been reported in the literature in individuals affected with DSP-related conditions. This variant is not present in population databases (gnomAD no frequency). This sequence change replaces asparagine, which is neutral and polar, with lysine, which is basic and polar, at codon 732 of the DSP protein (p.Asn732Lys).